The following is an entry in ClinVar:

ClinVar aggregate classification (germline): Uncertain significance. Review status: criteria provided, multiple submitters, no conflicts (2 of 4 stars). 2 submissions from 2 submitters: Uncertain significance (2). Last evaluated 2024-11-18.

Allele frequency attached by ClinVar (database versions not stated): ExAC 0.00002; gnomAD 0.00010; 1000 Genomes Project 30x 0.00016; TOPMed 0.00017; 1000 Genomes Project 0.00020.
gnomAD v4.1: 88 of 1,612,184 alleles (0.0055%); highest among the groups gnomAD compares: Admixed American, 0.027%; no homozygotes.

Submissions (2):

Labcorp Genetics (formerly Invitae), Labcorp
Classification: Uncertain significance. Last evaluated: 2024-11-18. Review status: criteria provided, single submitter. Criteria: Invitae Variant Classification Sherloc (09022015). Collection method: clinical testing. Allele origin: germline.
Comment: This sequence change replaces arginine, which is basic and polar, with glutamine, which is neutral and polar, at codon 64 of the RSPO2 protein (p.Arg64Gln). This variant is present in population databases (rs182334537, gnomAD 0.008%). This variant has not been reported in the literature in individuals affected with RSPO2-related conditions. ClinVar contains an entry for this variant (Variation ID: 2197548). Invitae Evidence Modeling of protein sequence and biophysical properties (such as structural, functional, and spatial information, amino acid conservation, physicochemical variation, residue mobility, and thermodynamic stability) indicates that this missense variant is not expected to disrupt RSPO2 protein function with a negative predictive value of 80%. In summary, the available evidence is currently insufficient to determine the role of this variant in disease. Therefore, it has been classified as a Variant of Uncertain Significance.

Ambry Genetics
Classification: Uncertain significance. Last evaluated: 2021-10-06. Review status: criteria provided, single submitter. Criteria: Ambry Variant Classification Scheme 2023. Collection method: clinical testing. Allele origin: germline.

NM_178565.5(RSPO2):c.191G>A (p.Arg64Gln)

Gene: RSPO2 (R-spondin 2; minus strand). Cytogenetic location: 8q23.1.
Variant type: single nucleotide variant.
Coding change: c.191G>A on transcript NM_178565.5 (MANE Select); coding-DNA position 191, G replaced by A.
Protein change: p.Arg64Gln; replaces arginine 64 with glutamine.
Molecular consequence: missense variant. On other transcripts: 5 prime UTR variant (1), intron variant (1).
Genome position (GRCh38, 1-based): chr8:107,989,148, C>T on the plus strand (G>A on the coding strand, the complement: RSPO2 is on the minus strand). VCF-style: chr8-107989148-C-T. GRCh37 (hg19) VCF-style: chr8-109001376-C-T.
Other names: c.-11G>A (NM_001317942.2); c.95-28331G>A (NM_001282863.2); c.191G>A (NM_178565.4); short protein forms R64Q.
Identifiers: ClinVar variation 2197548 (VCV002197548.3), dbSNP rs182334537, ClinGen allele CA4841646.